The following is an entry in ClinVar:

ClinVar aggregate classification (germline): Uncertain significance (1 of 4 stars; one submission).

Conditions:
Dilated cardiomyopathy 1KK (CMD1KK). Identifiers: Orphanet 154, Orphanet 75249, MedGen C3714995, MONDO:0014100, OMIM 615248.

Allele frequency attached by ClinVar (database versions not stated): gnomAD exomes below 0.00001.
gnomAD v4.1: 2 of 1,614,176 alleles (0.00012%); highest among the groups gnomAD compares: Non-Finnish European, 0.000085%; no homozygotes.

Submission:

Labcorp Genetics (formerly Invitae), Labcorp
Classification: Uncertain significance for Dilated cardiomyopathy 1KK. Last evaluated: 2022-07-04. Review status: criteria provided, single submitter. Criteria: Invitae Variant Classification Sherloc (09022015). Collection method: clinical testing. Allele origin: germline.
Comment: This sequence change replaces asparagine, which is neutral and polar, with serine, which is neutral and polar, at codon 825 of the MYPN protein (p.Asn825Ser). This variant is not present in population databases (gnomAD no frequency). This variant has not been reported in the literature in individuals affected with MYPN-related conditions. Algorithms developed to predict the effect of missense changes on protein structure and function (SIFT, PolyPhen-2, Align-GVGD) all suggest that this variant is likely to be disruptive. In summary, the available evidence is currently insufficient to determine the role of this variant in disease. Therefore, it has been classified as a Variant of Uncertain Significance.

NM_032578.4(MYPN):c.2474A>G (p.Asn825Ser)

Gene: MYPN (myopalladin; plus strand). Cytogenetic location: 10q21.3.
Variant type: single nucleotide variant.
Coding change: c.2474A>G on transcript NM_032578.4 (MANE Select); coding-DNA position 2474, A replaced by G.
Protein change: p.Asn825Ser; replaces asparagine 825 with serine.
Molecular consequence: missense variant. On other transcripts: non-coding transcript variant (2).
Genome position (GRCh38, 1-based): chr10:68,174,566, A>G. VCF-style: chr10-68174566-A-G. GRCh37 (hg19) VCF-style: chr10-69934323-A-G.
Other names: c.2474A>G, p.Asn825Ser (NM_001256267.2); c.1592A>G, p.Asn531Ser (NM_001256268.2); short protein forms N531S, N825S.
Identifiers: ClinVar variation 2070152 (VCV002070152.1), dbSNP rs529132898, ClinGen allele CA208204540.
Genomic context (GRCh38, chr10:68,174,566, plus strand): 5'-ACCAGTTTCAGCCCCGCTGTGTGTCCCCAATTCCTGTCTCTCCTACCAGCCGGATTCAGA[A>G]CCCAGTGGCTTTCCTCAGCTCTGTTCTGCCTTCTCTCCCTGCCATCCCACCCACAAATGC-3'
Protein context (NP_115967.2, residues 815-835): IPVSPTSRIQ[Asn825Ser]PVAFLSSVLP